The following is an entry in ClinVar:

NM_002858.4(ABCD3):c.907C>A (p.Leu303Ile)

Gene: ABCD3 (ATP binding cassette subfamily D member 3; plus strand). Cytogenetic location: 1p21.3.
Variant type: single nucleotide variant.
Coding change: c.907C>A on transcript NM_002858.4 (MANE Select); coding-DNA position 907, C replaced by A.
Protein change: p.Leu303Ile; replaces leucine 303 with isoleucine.
Molecular consequence: missense variant.
Genome position (GRCh38, 1-based): chr1:94,487,551, C>A. VCF-style: chr1-94487551-C-A. GRCh37 (hg19) VCF-style: chr1-94953107-C-A.
Other names: short protein forms L303I.
Identifiers: ClinVar variation 2699746 (VCV002699746.3), dbSNP rs2525316136, ClinGen allele CA341302971.

ClinVar aggregate classification (germline): Uncertain significance (1 of 4 stars; one submission).

Submission:

Labcorp Genetics (formerly Invitae), Labcorp
Classification: Uncertain significance. Last evaluated: 2023-12-10. Review status: criteria provided, single submitter. Criteria: Invitae Variant Classification Sherloc (09022015). Collection method: clinical testing. Allele origin: germline.
Comment: This sequence change replaces leucine, which is neutral and non-polar, with isoleucine, which is neutral and non-polar, at codon 303 of the ABCD3 protein (p.Leu303Ile). This variant is not present in population databases (gnomAD no frequency). This variant has not been reported in the literature in individuals affected with ABCD3-related conditions. An algorithm developed to predict the effect of missense changes on protein structure and function (PolyPhen-2) suggests that this variant is likely to be tolerated. In summary, the available evidence is currently insufficient to determine the role of this variant in disease. Therefore, it has been classified as a Variant of Uncertain Significance.